The following is an entry in ClinVar:

NM_005260.7(GDF9):c.1302C>T (p.Pro434=)

Gene: GDF9 (growth differentiation factor 9; minus strand). Cytogenetic location: 5q31.1.
Variant type: single nucleotide variant.
Coding change: c.1302C>T on transcript NM_005260.7 (MANE Select); coding-DNA position 1302, C replaced by T.
Protein change: p.Pro434=; no amino-acid change (proline 434 retained).
Molecular consequence: synonymous variant.
Genome position (GRCh38, 1-based): chr5:132,861,652, G>A on the plus strand (C>T on the coding strand, the complement: GDF9 is on the minus strand). VCF-style: chr5-132861652-G-A. GRCh37 (hg19) VCF-style: chr5-132197344-G-A.
Other names: c.1038C>T, p.Pro346= (NM_001288824.4, NM_001288825.4, NM_001288826.3 and 2 more transcripts).
Identifiers: ClinVar variation 4681480 (VCV004681480.5).

ClinVar aggregate classification (germline): Likely benign (1 of 4 stars; one submission).

gnomAD v4.1: 34 of 1,600,722 alleles (0.0021%); highest among the groups gnomAD compares: Middle Eastern, 0.017%; no homozygotes.

Submission:

CeGaT Center for Human Genetics Tuebingen
Classification: Likely benign. Last evaluated: 2025-12-01. Review status: criteria provided, single submitter. Criteria: CeGaT Center For Human Genetics Tuebingen Variant Classification Criteria Version 2. Collection method: clinical testing. Allele origin: germline. Affected: yes. Observed: 1 variant allele.
Comment: GDF9: BP4, BP7